The following is an entry in ClinVar:

ClinVar aggregate classification (germline): Uncertain significance (1 of 4 stars; one submission).

Submission:

Labcorp Genetics (formerly Invitae), Labcorp
Classification: Uncertain significance. Last evaluated: 2022-05-04. Review status: criteria provided, single submitter. Criteria: Invitae Variant Classification Sherloc (09022015). Collection method: clinical testing. Allele origin: germline.
Comment: This variant has not been reported in the literature in individuals affected with SAMD9-related conditions. In summary, the available evidence is currently insufficient to determine the role of this variant in disease. Therefore, it has been classified as a Variant of Uncertain Significance. Experimental studies and prediction algorithms are not available or were not evaluated, and the functional significance of this variant is currently unknown. This variant is not present in population databases (gnomAD no frequency). This sequence change creates a premature translational stop signal (p.Ser700Lysfs*19) in the SAMD9 gene. While this is not anticipated to result in nonsense mediated decay, it is expected to disrupt the last 890 amino acid(s) of the SAMD9 protein.

NM_017654.4(SAMD9):c.2097_2098dup (p.Ser700fs)

Gene: SAMD9 (sterile alpha motif domain containing 9; minus strand). Cytogenetic location: 7q21.2.
Variant type: Duplication.
Coding change: c.2097_2098dup on transcript NM_017654.4 (MANE Select); coding-DNA positions 2097 to 2098, 2 bases duplicated (AA; older notation c.2097_2098dupAA).
Protein change: p.Ser700fs; shifts the reading frame from serine 700.
Molecular consequence: frameshift variant.
Genome position (GRCh38, 1-based): chr7:93,104,000-93,104,001, TT duplicated on the plus strand (AA on the coding strand, the reverse complement: SAMD9 is on the minus strand); duplicating any 2 consecutive bases within chr7:93,104,000-93,104,002 gives the same sequence; the c. name uses the placement nearest the transcript's 3' end. VCF-style (leftmost placement, unchanged base first): chr7-93103999-C-CTT. GRCh37 (hg19) VCF-style: chr7-92733312-C-CTT.
Other names: c.2097_2098dup, p.Ser700fs (NM_001193307.2); short protein forms S700fs.
Identifiers: ClinVar variation 2133373 (VCV002133373.4), dbSNP rs2535359046, ClinGen allele CA2580077835.